The following is an entry in ClinVar:

ClinVar aggregate classification (germline): Uncertain significance. Review status: criteria provided, multiple submitters, no conflicts (2 of 4 stars). 2 submissions from 2 submitters: Uncertain significance (2). Last evaluated 2025-02-05.

Allele frequency attached by ClinVar (database versions not stated): ExAC 0.00001; TOPMed 0.00002.
gnomAD v4.1: 2 of 1,612,414 alleles (0.00012%); highest among the groups gnomAD compares: Admixed American, 0.0033%; no homozygotes.

Submissions (2):

Ambry Genetics
Classification: Uncertain significance. Last evaluated: 2025-02-05. Review status: criteria provided, single submitter. Criteria: Ambry Variant Classification Scheme 2023. Collection method: clinical testing. Allele origin: germline.

Labcorp Genetics (formerly Invitae), Labcorp
Classification: Uncertain significance. Last evaluated: 2022-04-29. Review status: criteria provided, single submitter. Criteria: Invitae Variant Classification Sherloc (09022015). Collection method: clinical testing. Allele origin: germline.
Comment: Algorithms developed to predict the effect of missense changes on protein structure and function are either unavailable or do not agree on the potential impact of this missense change (SIFT: "Not Available"; PolyPhen-2: "Probably Damaging"; Align-GVGD: "Not Available"). This sequence change replaces glutamic acid, which is acidic and polar, with glutamine, which is neutral and polar, at codon 833 of the IFT88 protein (p.Glu833Gln). This variant is present in population databases (rs769854194, gnomAD 0.009%). This variant has not been reported in the literature in individuals affected with IFT88-related conditions. In summary, the available evidence is currently insufficient to determine the role of this variant in disease. Therefore, it has been classified as a Variant of Uncertain Significance.

NM_006531.5(IFT88):c.2470G>C (p.Glu824Gln)

Gene: IFT88 (intraflagellar transport 88; plus strand). Cytogenetic location: 13q12.11.
Variant type: single nucleotide variant.
Coding change: c.2470G>C on transcript NM_006531.5 (MANE Select); coding-DNA position 2470, G replaced by C.
Protein change: p.Glu824Gln; replaces glutamic acid 824 with glutamine.
Molecular consequence: missense variant. On other transcripts: 3 prime UTR variant (1), non-coding transcript variant (5).
Genome position (GRCh38, 1-based): chr13:20,691,170, G>C. VCF-style: chr13-20691170-G-C. GRCh37 (hg19) VCF-style: chr13-21265309-G-C.
Other names: c.2413G>C, p.Glu805Gln (NM_001318491.2); c.2497G>C, p.Glu833Gln (NM_001318493.2, NM_001353565.2, NM_001353566.2 and 2 more transcripts); c.2470G>C, p.Glu824Gln (NM_001353568.2); c.2395G>C, p.Glu799Gln (NM_001353569.2, NM_001353570.2); c.2368G>C, p.Glu790Gln (NM_001353571.2); c.2359G>C, p.Glu787Gln (NM_001353572.2); c.2326G>C, p.Glu776Gln (NM_001353573.2); c.2311G>C, p.Glu771Gln (NM_001353574.2); and 5 more; short protein forms E771Q, E776Q, E824Q, E762Q, E805Q, E613Q, E787Q, E799Q.
Identifiers: ClinVar variation 2166927 (VCV002166927.5), dbSNP rs769854194, ClinGen allele CA6905790.